The following is an entry in ClinVar:

ClinVar aggregate classification (germline): Benign/Likely benign. Review status: criteria provided, multiple submitters, no conflicts (2 of 4 stars). 16 submissions from 16 submitters: Benign (4); Likely benign (7). 5 of the submissions do not count toward it. Last evaluated 2026-07-01.

Conditions:
CREBBP-related disorder. Also called: CREBBP-related disorders; CREBBP-related condition.
Inborn genetic diseases. Identifiers: MedGen C0950123, MeSH D030342.
Menke-Hennekam syndrome 1 (MKHK1). Identifiers: MedGen C5193034, MONDO:0020763, OMIM 618332.
Rubinstein-Taybi syndrome due to CREBBP mutations (RSTS1). Also called: RUBINSTEIN-TAYBI SYNDROME 1, INCOMPLETE; RUBINSTEIN SYNDROME; CREBBP-Related Rubinstein-Taybi Syndrome; BROAD THUMB-HALLUX SYNDROME; Rubinstein-Taybi syndrome 1; BROAD THUMBS AND GREAT TOES, CHARACTERISTIC FACIES, AND IMPAIRED INTELLECTUAL DEVELOPMENT. Identifiers: Orphanet 353277, Orphanet 783, MedGen C4551859, MONDO:0008393, OMIM 180849.
Rubinstein-Taybi syndrome (RSTS). Identifiers: Orphanet 783, MedGen C0035934, MONDO:0019188.

Allele frequency attached by ClinVar (database versions not stated): 1000 Genomes Project 0.00040; gnomAD exomes 0.00099 and 0.00210; gnomAD 0.00102; 1000 Genomes Project 30x 0.00062; ExAC 0.00085; ESP Exome Variant Server 0.00139; TOPMed 0.00227.
gnomAD v4.1: 3,270 of 1,614,080 alleles (0.2%); highest among the groups gnomAD compares: Non-Finnish European, 0.26%; 11 homozygotes.

Submissions (16):

CeGaT Center for Human Genetics Tuebingen
Classification: Benign. Last evaluated: 2026-07-01. Review status: criteria provided, single submitter. Criteria: CeGaT Center For Human Genetics Tuebingen Variant Classification Criteria Version 2. Collection method: clinical testing. Allele origin: germline. Affected: yes. Observed: 10 variant alleles.
Comment: CREBBP: PP2, BS1, BS2

Labcorp Genetics (formerly Invitae), Labcorp
Classification: Likely benign for Rubinstein-Taybi syndrome. Last evaluated: 2025-12-29. Review status: criteria provided, single submitter. Criteria: Invitae Variant Classification Sherloc (09022015). Collection method: clinical testing. Allele origin: germline.

Women's Health and Genetics/Laboratory Corporation of America, LabCorp
Classification: Likely benign. Last evaluated: 2024-12-24. Review status: criteria provided, single submitter. Criteria: LabCorp Variant Classification Summary - May 2015. Collection method: clinical testing. Allele origin: germline.
Comment: Variant summary: CREBBP c.2678C>T (p.Ser893Leu) results in a non-conservative amino acid change in the encoded protein sequence. Three of five in-silico tools predict a benign effect of the variant on protein function. The variant allele was found at a frequency of 0.00099 in 251368 control chromosomes, predominantly at a frequency of 0.0019 within the Non-Finnish European subpopulation in the gnomAD database. The observed variant frequency within Non-Finnish European control individuals in the gnomAD database exceeds the estimated maximal expected allele frequency for a pathogenic variant in CREBBP causing Rubinstein-Taybi Syndrome phenotype. ClinVar contains an entry for this variant (Variation ID: 95035). Based on the evidence outlined above, the variant was classified as likely benign.

Blueprint Genetics
Classification: Likely benign. Last evaluated: 2024-11-12. Review status: criteria provided, single submitter. Criteria: ACMG Guidelines, 2015. Collection method: clinical testing. Allele origin: germline.

Fulgent Genetics
Classification: Likely benign for Rubinstein-Taybi syndrome due to CREBBP mutations; Menke-Hennekam syndrome 1. Last evaluated: 2022-05-04. Review status: criteria provided, single submitter. Criteria: ACMG Guidelines, 2015. Collection method: clinical testing. Allele origin: unknown.

Ambry Genetics
Classification: Likely benign for Inborn genetic diseases. Last evaluated: 2021-08-19. Review status: criteria provided, single submitter. Criteria: Ambry Variant Classification Scheme 2023. Collection method: clinical testing. Allele origin: germline.

St. Jude Molecular Pathology, St. Jude Children's Research Hospital
Classification: Likely benign for Rubinstein-Taybi syndrome due to CREBBP mutations. Last evaluated: 2020-08-19. Review status: criteria provided, single submitter. Criteria: St. Jude Assertion Criteria 2020. Collection method: clinical testing. Allele origin: germline.

Mendelics
Classification: Benign for Rubinstein-Taybi syndrome due to CREBBP mutations. Last evaluated: 2019-05-28. Review status: criteria provided, single submitter. Criteria: Mendelics Assertion Criteria 2017. Collection method: clinical testing. Allele origin: unknown.

Center for Pediatric Genomic Medicine, Children's Mercy Hospital and Clinics
Classification: Likely benign. Last evaluated: 2016-11-11. Review status: criteria provided, single submitter. Criteria: ACMG Guidelines, 2015. Collection method: clinical testing. Allele origin: germline.
ClinVar note: Converted during submission from Likely Benign to Likely benign.

GeneDx
Classification: Benign. Last evaluated: 2016-10-18. Review status: criteria provided, single submitter. Criteria: GeneDx Variant Classification (06012015). Collection method: clinical testing. Allele origin: germline. Affected: yes.
Comment: This variant is considered likely benign or benign based on one or more of the following criteria: it is a conservative change, it occurs at a poorly conserved position in the protein, it is predicted to be benign by multiple in silico algorithms, and/or has population frequency not consistent with disease.

Eurofins Ntd Llc (ga)
Classification: Benign. Last evaluated: 2013-05-31. Review status: criteria provided, single submitter. Criteria: EGL Classification Definitions 2015. Collection method: clinical testing. Allele origin: germline. Observed: 2 variant alleles, 2 heterozygotes.

PreventionGenetics, part of Exact Sciences
Classification: Likely benign for CREBBP-related condition. Last evaluated: 2019-08-08. Review status: no assertion criteria provided. Collection method: clinical testing. Allele origin: germline. Not counted in ClinVar's aggregate classification.
Comment: This variant is classified as likely benign based on ACMG/AMP sequence variant interpretation guidelines (Richards et al. 2015 PMID: 25741868, with internal and published modifications).

ITMI
No classification provided. Condition: AllHighlyPenetrant. Last evaluated: 2013-09-19. Review status: no classification provided. Collection method: reference population. Allele origin: germline. Not counted in ClinVar's aggregate classification.
Comment: Please see associated publication for description of ethnicities

Clinical Genetics DNA and cytogenetics Diagnostics Lab, Erasmus MC, Erasmus Medical Center
Classification: Likely benign. Review status: no assertion criteria provided. Collection method: clinical testing. Allele origin: germline. Affected: yes. Study: VKGL Data-share Consensus. Not counted in ClinVar's aggregate classification.

Genome Diagnostics Laboratory, University Medical Center Utrecht
Classification: Likely benign. Review status: no assertion criteria provided. Collection method: clinical testing. Allele origin: germline. Affected: yes. Study: VKGL Data-share Consensus. Not counted in ClinVar's aggregate classification.

Laboratory of Diagnostic Genome Analysis, Leiden University Medical Center (LUMC)
Classification: Likely benign. Review status: no assertion criteria provided. Collection method: clinical testing. Allele origin: germline. Affected: yes. Study: VKGL Data-share Consensus. Not counted in ClinVar's aggregate classification.

Literature cited by the submitters: PubMed 24728327 (cited by ITMI).

NM_004380.3(CREBBP):c.2678C>T (p.Ser893Leu)

Gene: CREBBP (CREB binding lysine acetyltransferase; minus strand). Cytogenetic location: 16p13.3.
Variant type: single nucleotide variant.
Coding change: c.2678C>T on transcript NM_004380.3 (MANE Select); coding-DNA position 2678, C replaced by T.
Protein change: p.Ser893Leu; replaces serine 893 with leucine.
Molecular consequence: missense variant.
Genome position (GRCh38, 1-based): chr16:3,770,772, G>A on the plus strand (C>T on the coding strand, the complement: CREBBP is on the minus strand). VCF-style: chr16-3770772-G-A. GRCh37 (hg19) VCF-style: chr16-3820773-G-A.
Other names: c.2564C>T, p.Ser855Leu (NM_001079846.1); short protein forms S893L, S855L.
Identifiers: ClinVar variation 95035 (VCV000095035.49), dbSNP rs142047649, ClinGen allele CA148111.